The following is an entry in ClinVar:

ClinVar aggregate classification (germline): Uncertain significance (1 of 4 stars; one submission).

Conditions:
Acromesomelic dysplasia 1, Maroteaux type (AMD1). Also called: ST. HELENA DYSPLASIA; ACROMESOMELIC DYSPLASIA 1. Identifiers: Orphanet 40, MedGen C1864356, MONDO:0011275, OMIM 602875.
Tall stature-scoliosis-macrodactyly of the great toes syndrome. Also called: Epiphyseal chondrodysplasia, miura type. Identifiers: Orphanet 329191, MedGen C4014690, MONDO:0014401, OMIM 615923.

Allele frequency attached by ClinVar (database versions not stated): gnomAD exomes 0.00003; gnomAD 0.00005 and 0.00004; ESP Exome Variant Server 0.00015; TOPMed 0.00002; ExAC 0.00003.
gnomAD v4.1: 19 of 1,613,228 alleles (0.0012%); highest among the groups gnomAD compares: Admixed American, 0.012%; no homozygotes.

Submission:

Labcorp Genetics (formerly Invitae), Labcorp
Classification: Uncertain significance for Tall stature-scoliosis-macrodactyly of the great toes syndrome; Acromesomelic dysplasia 1, Maroteaux type. Last evaluated: 2026-01-31. Review status: criteria provided, single submitter. Criteria: Invitae Variant Classification Sherloc (09022015). Collection method: clinical testing. Allele origin: germline.
Comment: This sequence change replaces alanine, which is neutral and non-polar, with valine, which is neutral and non-polar, at codon 996 of the NPR2 protein (p.Ala996Val). This variant is present in population databases (rs143187530, gnomAD 0.01%). This variant has not been reported in the literature in individuals affected with NPR2-related conditions. ClinVar contains an entry for this variant (Variation ID: 1403788). An algorithm developed to predict the effect of missense changes on protein structure and function (PolyPhen-2) suggests that this variant is likely to be disruptive. In summary, the available evidence is currently insufficient to determine the role of this variant in disease. Therefore, it has been classified as a Variant of Uncertain Significance.

NM_003995.4(NPR2):c.2987C>T (p.Ala996Val)

Genes: NPR2 (natriuretic peptide receptor 2; plus strand), SPAG8 (sperm associated antigen 8; minus strand). Cytogenetic location: 9p13.3.
Variant type: single nucleotide variant.
Coding change: c.2987C>T on transcript NM_003995.4 (MANE Select); coding-DNA position 2987, C replaced by T.
Protein change: p.Ala996Val; replaces alanine 996 with valine.
Molecular consequence: missense variant. On other transcripts: intron variant (2).
Genome position (GRCh38, 1-based): chr9:35,809,156, C>T. VCF-style: chr9-35809156-C-T. GRCh37 (hg19) VCF-style: chr9-35809153-C-T.
Other names: c.2996C>T, p.Ala999Val (NM_001378923.1); c.1201-850G>A (NM_001366760.2); c.1372+248G>A (NM_172312.2); short protein forms A999V, A996V.
Identifiers: ClinVar variation 1403788 (VCV001403788.7), dbSNP rs143187530, ClinGen allele CA5052179.